The following is an entry in ClinVar:

NM_005431.2(XRCC2):c.679C>A (p.Leu227Ile)

Gene: XRCC2 (X-ray repair cross complementing 2; minus strand). Cytogenetic location: 7q36.1.
Variant type: single nucleotide variant.
Coding change: c.679C>A on transcript NM_005431.2 (MANE Select); coding-DNA position 679, C replaced by A.
Protein change: p.Leu227Ile; replaces leucine 227 with isoleucine.
Molecular consequence: missense variant.
Genome position (GRCh38, 1-based): chr7:152,648,806, G>T on the plus strand (C>A on the coding strand, the complement: XRCC2 is on the minus strand). VCF-style: chr7-152648806-G-T. GRCh37 (hg19) VCF-style: chr7-152345891-G-T.
Other names: short protein forms L227I.
Identifiers: ClinVar variation 3333533 (VCV003333533.1).
Genomic context (GRCh38, chr7:152,648,806, plus strand): 5'-AATCATCTTGTTTGGAGAAAAACATCCTGTGCTTCACCAGTTGCTGCCATGCCTTACAGA[G>T]ATAAGGTCTGTAGTCTATGTCCACATCACACAGTCGTCGAGAGGCATGAGAAGGTTCTTC-3'
Protein context (NP_005422.1, residues 217-237): CDVDIDYRPY[Leu227Ile]CKAWQQLVKH

ClinVar aggregate classification (germline): Uncertain significance (1 of 4 stars; one submission).

Conditions:
Hereditary cancer-predisposing syndrome. Also called: Neoplastic Syndromes, Hereditary; Tumor predisposition; Hereditary neoplastic syndrome; Hereditary Cancer Syndrome. Identifiers: Orphanet 140162, MedGen C0027672, MeSH D009386, MONDO:0015356.

Submission:

Ambry Genetics
Classification: Uncertain significance for Hereditary cancer-predisposing syndrome. Last evaluated: 2024-03-19. Review status: criteria provided, single submitter. Criteria: Ambry Variant Classification Scheme 2023. Collection method: clinical testing. Allele origin: germline.
Comment: The p.L227I variant (also known as c.679C>A), located in coding exon 3 of the XRCC2 gene, results from a C to A substitution at nucleotide position 679. The leucine at codon 227 is replaced by isoleucine, an amino acid with highly similar properties. This amino acid position is conserved. In addition, the in silico prediction for this alteration is inconclusive. Based on the available evidence, the clinical significance of this alteration remains unclear.